The following is an entry in ClinVar:

ClinVar aggregate classification (germline): Uncertain significance (1 of 4 stars; one submission).

gnomAD v4.1: 2 of 1,612,884 alleles (0.00012%); highest among the groups gnomAD compares: Non-Finnish European, 0.00017%; no homozygotes.

Submission:

Labcorp Genetics (formerly Invitae), Labcorp
Classification: Uncertain significance. Last evaluated: 2024-07-22. Review status: criteria provided, single submitter. Criteria: Invitae Variant Classification Sherloc (09022015). Collection method: clinical testing. Allele origin: germline.
Comment: This sequence change affects codon 1672 of the ALPK3 mRNA. It is a 'silent' change, meaning that it does not change the encoded amino acid sequence of the ALPK3 protein. This variant also falls at the last nucleotide of exon 10, which is part of the consensus splice site for this exon. This variant is present in population databases (no rsID available, gnomAD 0.0009%). This variant has not been reported in the literature in individuals affected with ALPK3-related conditions. Variants that disrupt the consensus splice site are a relatively common cause of aberrant splicing (PMID: 17576681, 9536098). Algorithms developed to predict the effect of sequence changes on RNA splicing suggest that this variant may disrupt the consensus splice site. In summary, the available evidence is currently insufficient to determine the role of this variant in disease. Therefore, it has been classified as a Variant of Uncertain Significance.

Literature cited by the submitters: PubMed 17576681; PubMed 9536098.

NM_020778.5(ALPK3):c.4410G>A (p.Gln1470=)

Gene: ALPK3 (alpha kinase 3; plus strand). Cytogenetic location: 15q25.3.
Variant type: single nucleotide variant.
Coding change: c.4410G>A on transcript NM_020778.5 (MANE Select); coding-DNA position 4410, G replaced by A.
Protein change: p.Gln1470=; no amino-acid change (glutamine 1470 retained).
Molecular consequence: synonymous variant.
Genome position (GRCh38, 1-based): chr15:84,862,915, G>A. VCF-style: chr15-84862915-G-A. GRCh37 (hg19) VCF-style: chr15-85406146-G-A.
Identifiers: ClinVar variation 2767558 (VCV002767558.3), dbSNP rs1360561816, ClinGen allele CA492010138.
Genomic context (GRCh38, chr15:84,862,915, plus strand): 5'-TGTGTTTGGGCCCAGCAGTGAGACTTCTCTTGTGGGCAGAAACTACGACGTCACCATCCA[G>A]GTACTATGTCCCATCTTCACACCCCATTCTTTTATTCTCTCACCCCCTCCCCTTTCCCAG-3'
Protein context (NP_065829.4, residues 1460-1480): LVGRNYDVTI[Gln1470=]GCKIQNMSRE